The following is an entry in ClinVar:

NM_000256.3(MYBPC3):c.3209A>G (p.Gln1070Arg)

Gene: MYBPC3 (myosin binding protein C3; minus strand). Cytogenetic location: 11p11.2.
Variant type: single nucleotide variant.
Coding change: c.3209A>G on transcript NM_000256.3 (MANE Select); coding-DNA position 3209, A replaced by G.
Protein change: p.Gln1070Arg; replaces glutamine 1070 with arginine.
Molecular consequence: missense variant.
Genome position (GRCh38, 1-based): chr11:47,333,315, T>C on the plus strand (A>G on the coding strand, the complement: MYBPC3 is on the minus strand). VCF-style: chr11-47333315-T-C. GRCh37 (hg19) VCF-style: chr11-47354866-T-C.
Other names: c.3209A>G, p.Gln1070Arg (LRG_386t1); short protein forms Q1070R.
Identifiers: ClinVar variation 657397 (VCV000657397.8), dbSNP rs1595841598, ClinGen allele CA380314489.

ClinVar aggregate classification (germline): Uncertain significance (1 of 4 stars; one submission).

Conditions:
Hypertrophic cardiomyopathy. Also called: HYPERTROPHIC MYOCARDIOPATHY. Identifiers: Orphanet 217569, MedGen C0007194, MeSH D002312, MONDO:0005045, HP:0001639.

gnomAD v4.1: 4 of 1,583,908 alleles (0.00025%); highest among the groups gnomAD compares: South Asian, 0.0011%; no homozygotes.

Submission:

Labcorp Genetics (formerly Invitae), Labcorp
Classification: Uncertain significance for Hypertrophic cardiomyopathy. Last evaluated: 2020-03-06. Review status: criteria provided, single submitter. Criteria: Invitae Variant Classification Sherloc (09022015). Collection method: clinical testing. Allele origin: germline.
Comment: This sequence change replaces glutamine with arginine at codon 1070 of the MYBPC3 protein (p.Gln1070Arg). The glutamine residue is highly conserved and there is a small physicochemical difference between glutamine and arginine. This variant is not present in population databases (ExAC no frequency). This variant has not been reported in the literature in individuals with MYBPC3-related conditions. Algorithms developed to predict the effect of missense changes on protein structure and function (SIFT, PolyPhen-2, Align-GVGD) all suggest that this variant is likely to be tolerated, but these predictions have not been confirmed by published functional studies and their clinical significance is uncertain. In summary, the available evidence is currently insufficient to determine the role of this variant in disease. Therefore, it has been classified as a Variant of Uncertain Significance.